The following is an entry in ClinVar:

NM_133497.4(KCNV2):c.491del (p.Phe164fs)

Gene: KCNV2 (potassium voltage-gated channel modifier subfamily V member 2; plus strand). Cytogenetic location: 9p24.2.
Variant type: Deletion.
Coding change: c.491del on transcript NM_133497.4 (MANE Select); coding-DNA position 491, one base deleted (T; older notation c.491delT).
Protein change: p.Phe164fs; shifts the reading frame from phenylalanine 164.
Molecular consequence: frameshift variant.
Genome position (GRCh38, 1-based): chr9:2,718,230, T deleted; the last of 3 consecutive T bases (chr9:2,718,228-2,718,230); deleting any one gives the same sequence. VCF-style (leftmost placement, unchanged base first): chr9-2718227-AT-A. GRCh37 (hg19) VCF-style: chr9-2718227-AT-A.
Other names: short protein forms F164fs.
Identifiers: ClinVar variation 1456099 (VCV001456099.6), dbSNP rs2130860673, ClinGen allele CA2573143773.

ClinVar aggregate classification (germline): Pathogenic (1 of 4 stars; one submission).

Submission:

Labcorp Genetics (formerly Invitae), Labcorp
Classification: Pathogenic. Last evaluated: 2024-10-22. Review status: criteria provided, single submitter. Criteria: Invitae Variant Classification Sherloc (09022015). Collection method: clinical testing. Allele origin: germline.
Comment: This sequence change creates a premature translational stop signal (p.Phe164Serfs*47) in the KCNV2 gene. It is expected to result in an absent or disrupted protein product. Loss-of-function variants in KCNV2 are known to be pathogenic (PMID: 16909397, 18235024). This variant is not present in population databases (gnomAD no frequency). This variant has not been reported in the literature in individuals affected with KCNV2-related conditions. ClinVar contains an entry for this variant (Variation ID: 1456099). For these reasons, this variant has been classified as Pathogenic.

Literature cited by the submitters: PubMed 16909397; PubMed 18235024.